The following is an entry in ClinVar:

NM_001080453.3(INTS1):c.637A>G (p.Met213Val)

Gene: INTS1 (integrator complex subunit 1; minus strand). Cytogenetic location: 7p22.3.
Variant type: single nucleotide variant.
Coding change: c.637A>G on transcript NM_001080453.3 (MANE Select); coding-DNA position 637, A replaced by G.
Protein change: p.Met213Val; replaces methionine 213 with valine.
Molecular consequence: missense variant.
Genome position (GRCh38, 1-based): chr7:1,499,931, T>C on the plus strand (A>G on the coding strand, the complement: INTS1 is on the minus strand). VCF-style: chr7-1499931-T-C. GRCh37 (hg19) VCF-style: chr7-1539567-T-C.
Other names: short protein forms M213V.
Identifiers: ClinVar variation 4755934 (VCV004755934.1).
Genomic context (GRCh38, chr7:1,499,931, plus strand): 5'-AGAGGACGCTCACCTTGACAAAGATCTCGGGCCAGTTCTCGTCCTCCTCGTAGGCGGCCA[T>C]GAGGAGGTTACAGGCCAGCACAGACACCAGGCTGTTCCCCTTGGCCTTGAAGTTGATGGA-3'
Protein context (NP_001073922.2, residues 203-223): LVSVLACNLL[Met213Val]AAYEEDENWP

ClinVar aggregate classification (germline): Uncertain significance (1 of 4 stars; one submission).

gnomAD v4.1: 47 of 1,613,296 alleles (0.0029%); highest among the groups gnomAD compares: Admixed American, 0.013%; no homozygotes.

Submission:

GeneDx
Classification: Uncertain significance. Last evaluated: 2025-08-07. Review status: criteria provided, single submitter. Criteria: GeneDx Variant Classification Process June 2021. Collection method: clinical testing. Allele origin: germline. Affected: yes.
Comment: In silico analysis suggests that this missense variant does not alter protein structure/function; Has not been previously published as pathogenic or benign to our knowledge